The following is an entry in ClinVar:

NM_024876.4(COQ8B):c.723C>T (p.Pro241=)

Gene: COQ8B (coenzyme Q8B; minus strand). Cytogenetic location: 19q13.2.
Variant type: single nucleotide variant.
Coding change: c.723C>T on transcript NM_024876.4 (MANE Select); coding-DNA position 723, C replaced by T.
Protein change: p.Pro241=; no amino-acid change (proline 241 retained).
Molecular consequence: synonymous variant.
Genome position (GRCh38, 1-based): chr19:40,703,617, G>A on the plus strand (C>T on the coding strand, the complement: COQ8B is on the minus strand). VCF-style: chr19-40703617-G-A. GRCh37 (hg19) VCF-style: chr19-41209522-G-A.
Other names: c.600C>T, p.Pro200= (NM_001142555.3).
Identifiers: ClinVar variation 3047221 (VCV003047221.5), dbSNP rs55973839, ClinGen allele CA9450299.

ClinVar aggregate classification (germline): Likely benign. Review status: criteria provided, multiple submitters, no conflicts (2 of 4 stars). 4 submissions from 4 submitters: Likely benign (3). 1 of the submissions does not count toward it. Last evaluated 2025-11-09.

Conditions:
COQ8B-related disorder. Also called: COQ8B-related condition.

Allele frequency attached by ClinVar (database versions not stated): TOPMed 0.00003; gnomAD 0.00004; ExAC 0.00009; ESP Exome Variant Server 0.00015; 1000 Genomes Project 0.00020; 1000 Genomes Project 30x 0.00031.
gnomAD v4.1: 25 of 1,612,800 alleles (0.0016%); highest among the groups gnomAD compares: East Asian, 0.018%; 1 homozygote.

Submissions (4):

Labcorp Genetics (formerly Invitae), Labcorp
Classification: Likely benign. Last evaluated: 2025-11-09. Review status: criteria provided, single submitter. Criteria: Invitae Variant Classification Sherloc (09022015). Collection method: clinical testing. Allele origin: germline.

Laboratory of Genetics, Children's Clinical University Hospital Latvia
Classification: Likely benign. Last evaluated: 2025-02-16. Review status: criteria provided, single submitter. Criteria: ACMG Guidelines, 2015. Collection method: clinical testing. Allele origin: germline. Affected: yes.

Blueprint Genetics
Classification: Likely benign. Last evaluated: 2024-04-08. Review status: criteria provided, single submitter. Criteria: ACMG Guidelines, 2015. Collection method: clinical testing. Allele origin: germline.

PreventionGenetics, part of Exact Sciences
Classification: Likely benign for COQ8B-related condition. Last evaluated: 2019-03-20. Review status: no assertion criteria provided. Collection method: clinical testing. Allele origin: germline. Not counted in ClinVar's aggregate classification.
Comment: This variant is classified as likely benign based on ACMG/AMP sequence variant interpretation guidelines (Richards et al. 2015 PMID: 25741868, with internal and published modifications).